The following is an entry in ClinVar:

ClinVar aggregate classification (germline): Uncertain significance. Review status: criteria provided, multiple submitters, no conflicts (2 of 4 stars). 3 submissions from 3 submitters: Uncertain significance (3). Last evaluated 2025-08-03.

Conditions:
Inborn genetic diseases. Identifiers: MedGen C0950123, MeSH D030342.

Allele frequency attached by ClinVar (database versions not stated): TOPMed 0.00048; ExAC 0.00052; 1000 Genomes Project 30x 0.00062; gnomAD exomes 0.00087; ESP Exome Variant Server 0.00069; 1000 Genomes Project 0.00080; gnomAD 0.00050.
gnomAD v4.1: 1,340 of 1,614,170 alleles (0.083%); highest among the groups gnomAD compares: Non-Finnish European, 0.11%; 3 homozygotes.

Submissions (3):

Ambry Genetics
Classification: Uncertain significance for Inborn genetic diseases. Last evaluated: 2025-08-03. Review status: criteria provided, single submitter. Criteria: Ambry Variant Classification Scheme 2023. Collection method: clinical testing. Allele origin: germline.

Mayo Clinic Laboratories, Mayo Clinic
Classification: Uncertain significance. Last evaluated: 2025-05-06. Review status: criteria provided, single submitter. Criteria: ACMG Guidelines, 2015. Collection method: clinical testing. Allele origin: germline. Observed: 1 variant allele.
Comment: BP4_moderate

Labcorp Genetics (formerly Invitae), Labcorp
Classification: Uncertain significance. Last evaluated: 2024-12-24. Review status: criteria provided, single submitter. Criteria: Invitae Variant Classification Sherloc (09022015). Collection method: clinical testing. Allele origin: germline.
Comment: This sequence change replaces glutamic acid, which is acidic and polar, with glycine, which is neutral and non-polar, at codon 81 of the MBTPS1 protein (p.Glu81Gly). This variant is present in population databases (rs141669553, gnomAD 0.09%), and has an allele count higher than expected for a pathogenic variant. This variant has not been reported in the literature in individuals affected with MBTPS1-related conditions. ClinVar contains an entry for this variant (Variation ID: 2046950). An algorithm developed to predict the effect of missense changes on protein structure and function (PolyPhen-2) suggests that this variant¬†is likely to be tolerated. In summary, the available evidence is currently insufficient to determine the role of this variant in disease. Therefore, it has been classified as a Variant of Uncertain Significance.

NM_003791.4(MBTPS1):c.242A>G (p.Glu81Gly)

Gene: MBTPS1 (membrane bound transcription factor peptidase, site 1; minus strand). Cytogenetic location: 16q23.3.
Variant type: single nucleotide variant.
Coding change: c.242A>G on transcript NM_003791.4 (MANE Select); coding-DNA position 242, A replaced by G.
Protein change: p.Glu81Gly; replaces glutamic acid 81 with glycine.
Molecular consequence: missense variant.
Genome position (GRCh38, 1-based): chr16:84,099,232, T>C on the plus strand (A>G on the coding strand, the complement: MBTPS1 is on the minus strand). VCF-style: chr16-84099232-T-C. GRCh37 (hg19) VCF-style: chr16-84132837-T-C.
Other names: p.Glu81Gly; c.242A>G (NM_003791.2); short protein forms E81G.
Identifiers: ClinVar variation 2046950 (VCV002046950.4), dbSNP rs141669553, ClinGen allele CA8201845.